The following is an entry in ClinVar:

ClinVar aggregate classification (germline): Uncertain significance (1 of 4 stars; one submission).

Conditions:
Xeroderma pigmentosum, group F (XPF). Also called: ERCC4-Related Xeroderma Pigmentosum; XERODERMA PIGMENTOSUM, COMPLEMENTATION GROUP F; XERODERMA PIGMENTOSUM VI; XP, GROUP F; XERODERMA PIGMENTOSUM, TYPE F; Xeroderma pigmentosum, type 6. Identifiers: MedGen C0268140, MONDO:0010215, OMIM 278760.
Fanconi anemia complementation group Q. Identifiers: Orphanet 84, MedGen C3808988, MONDO:0014108, OMIM 615272.
Cockayne syndrome. Identifiers: Orphanet 191, MedGen C0009207, MONDO:0016006.

Allele frequency attached by ClinVar (database versions not stated): TOPMed below 0.00001; gnomAD 0.00001; ExAC 0.00002; 1000 Genomes Project 30x 0.00016; 1000 Genomes Project 0.00020.
gnomAD v4.1: 9 of 1,614,144 alleles (0.00056%); highest among the groups gnomAD compares: Non-Finnish European, 0.00076%; no homozygotes.

Submission:

Labcorp Genetics (formerly Invitae), Labcorp
Classification: Uncertain significance for Fanconi anemia complementation group Q; Xeroderma pigmentosum, group F; Cockayne syndrome. Last evaluated: 2023-03-14. Review status: criteria provided, single submitter. Criteria: Invitae Variant Classification Sherloc (09022015). Collection method: clinical testing. Allele origin: germline.
Comment: This sequence change replaces valine, which is neutral and non-polar, with methionine, which is neutral and non-polar, at codon 578 of the ERCC4 protein (p.Val578Met). This variant is present in population databases (rs202186213, gnomAD 0.002%). This variant has not been reported in the literature in individuals affected with ERCC4-related conditions. Advanced modeling of protein sequence and biophysical properties (such as structural, functional, and spatial information, amino acid conservation, physicochemical variation, residue mobility, and thermodynamic stability) performed at Invitae indicates that this missense variant is expected to disrupt ERCC4 protein function. In summary, the available evidence is currently insufficient to determine the role of this variant in disease. Therefore, it has been classified as a Variant of Uncertain Significance.

NM_005236.3(ERCC4):c.1732G>A (p.Val578Met)

Gene: ERCC4 (ERCC excision repair 4, endonuclease catalytic subunit; plus strand). Cytogenetic location: 16p13.12.
Variant type: single nucleotide variant.
Coding change: c.1732G>A on transcript NM_005236.3 (MANE Select); coding-DNA position 1732, G replaced by A.
Protein change: p.Val578Met; replaces valine 578 with methionine.
Molecular consequence: missense variant.
Genome position (GRCh38, 1-based): chr16:13,935,664, G>A. VCF-style: chr16-13935664-G-A. GRCh37 (hg19) VCF-style: chr16-14029521-G-A.
Other names: short protein forms V578M.
Identifiers: ClinVar variation 2926424 (VCV002926424.3), dbSNP rs202186213, ClinGen allele CA7910525.